The following is an entry in ClinVar:

NM_002796.3(PSMB4):c.518T>A (p.Leu173His)

Gene: PSMB4 (proteasome 20S subunit beta 4; plus strand). Cytogenetic location: 1q21.3.
Variant type: single nucleotide variant.
Coding change: c.518T>A on transcript NM_002796.3 (MANE Select); coding-DNA position 518, T replaced by A.
Protein change: p.Leu173His; replaces leucine 173 with histidine.
Molecular consequence: missense variant.
Genome position (GRCh38, 1-based): chr1:151,400,787, T>A. VCF-style: chr1-151400787-T-A. GRCh37 (hg19) VCF-style: chr1-151373263-T-A.
Other names: short protein forms L173H.
Identifiers: ClinVar variation 2959276 (VCV002959276.3), dbSNP rs1419921260, ClinGen allele CA341925262.
Genomic context (GRCh38, chr1:151,400,787, plus strand): 5'-AAGGTGAAATGAGTTTTGACCCATTGTGTCCTGTTAGCTTCCTCGGTTATGTGGACATGC[T>A]TGGTGTAGCCTATGAAGCCCCTTCGCTGGCCACTGGTTATGGTGCATACTTGGCTCAGGT-3'
Protein context (NP_002787.2, residues 163-183): GESFLGYVDM[Leu173His]GVAYEAPSLA

ClinVar aggregate classification (germline): Uncertain significance (1 of 4 stars; one submission).

Allele frequency attached by ClinVar (database versions not stated): gnomAD exomes below 0.00001.

Submission:

Labcorp Genetics (formerly Invitae), Labcorp
Classification: Uncertain significance. Last evaluated: 2023-06-03. Review status: criteria provided, single submitter. Criteria: Invitae Variant Classification Sherloc (09022015). Collection method: clinical testing. Allele origin: germline.
Comment: An algorithm developed to predict the effect of missense changes on protein structure and function (PolyPhen-2) suggests that this variant is likely to be disruptive. This variant has not been reported in the literature in individuals affected with PSMB4-related conditions. This variant is present in population databases (no rsID available, gnomAD 0.007%). This sequence change replaces leucine, which is neutral and non-polar, with histidine, which is basic and polar, at codon 173 of the PSMB4 protein (p.Leu173His). In summary, the available evidence is currently insufficient to determine the role of this variant in disease. Therefore, it has been classified as a Variant of Uncertain Significance.